The following is an entry in ClinVar:

NM_001365951.3(KIF1B):c.4315A>G (p.Thr1439Ala)

Gene: KIF1B (kinesin family member 1B; plus strand). Cytogenetic location: 1p36.22.
Variant type: single nucleotide variant.
Coding change: c.4315A>G on transcript NM_001365951.3 (MANE Select); coding-DNA position 4315, A replaced by G.
Protein change: p.Thr1439Ala; replaces threonine 1439 with alanine.
Molecular consequence: missense variant.
Genome position (GRCh38, 1-based): chr1:10,363,293, A>G. VCF-style: chr1-10363293-A-G. GRCh37 (hg19) VCF-style: chr1-10423351-A-G.
Other names: c.4315A>G, p.Thr1439Ala (NM_001365952.1); c.4177A>G, p.Thr1393Ala (NM_015074.3); short protein forms T1393A, T1439A.
Identifiers: ClinVar variation 3226489 (VCV003226489.1), dbSNP rs2521897970, ClinGen allele CA338318565.

ClinVar aggregate classification (germline): Uncertain significance (1 of 4 stars; one submission).

Submission:

Ambry Genetics
Classification: Uncertain significance. Last evaluated: 2024-02-25. Review status: criteria provided, single submitter. Criteria: Ambry Variant Classification Scheme 2023. Collection method: clinical testing. Allele origin: germline.
Comment: The p.T1393A variant (also known as c.4177A>G), located in coding exon 38 of the KIF1B gene, results from an A to G substitution at nucleotide position 4177. The threonine at codon 1393 is replaced by alanine, an amino acid with similar properties. This amino acid position is conserved. In addition, the in silico prediction for this alteration is inconclusive. Based on the available evidence, the clinical significance of this alteration remains unclear.